The following is an entry in ClinVar:

ClinVar aggregate classification (germline): Pathogenic. Review status: reviewed by expert panel (3 of 4 stars). 12 submissions from 12 submitters: Pathogenic (1). 11 of the submissions do not count toward it. Last evaluated 2016-09-08.

Conditions:
Hereditary cancer-predisposing syndrome. Also called: Tumor predisposition; Neoplastic Syndromes, Hereditary; Hereditary Cancer Syndrome; Hereditary neoplastic syndrome. Identifiers: Orphanet 140162, MedGen C0027672, MeSH D009386, MONDO:0015356.
Breast and/or ovarian cancer. Identifiers: MedGen CN221562.
Hereditary breast ovarian cancer syndrome. Also called: Hereditary breast and ovarian cancer syndrome (HBOC); Hereditary breast and ovarian cancer syndrome; Hereditary breast and ovarian cancer; Hereditary breast and/or ovarian cancer syndrome; Breast and ovarian cancer; BRCA1- and BRCA2-Associated Hereditary Breast and Ovarian Cancer. Identifiers: Orphanet 145, MedGen C0677776, MeSH D061325, MONDO:0003582. Disease mechanism: loss of function.
Breast-ovarian cancer, familial, susceptibility to, 1 (BROVCA1). Also called: OVARIAN CANCER, SUSCEPTIBILITY TO; BRCA1 Hereditary Breast and Ovarian Cancer. Identifiers: Orphanet 145, MedGen C2676676, MONDO:0011450, OMIM 604370. Disease mechanism: loss of function.

Submissions (12):

Evidence-based Network for the Interpretation of Germline Mutant Alleles (ENIGMA)
Classification: Pathogenic for Breast-ovarian cancer, familial, susceptibility to, 1. Last evaluated: 2016-09-08. Review status: reviewed by expert panel. Criteria: ENIGMA BRCA1/2 Classification Criteria (2015). Collection method: curation. Allele origin: germline.
Comment: Variant allele predicted to encode a truncated non-functional protein.

Labcorp Genetics (formerly Invitae), Labcorp
Classification: Pathogenic for Hereditary breast ovarian cancer syndrome. Last evaluated: 2025-09-05. Review status: criteria provided, single submitter. Criteria: Invitae Variant Classification Sherloc (09022015). Collection method: clinical testing. Allele origin: germline. Not counted in ClinVar's aggregate classification.
Comment: This sequence change creates a premature translational stop signal (p.Asn1255Lysfs*12) in the BRCA1 gene. It is expected to result in an absent or disrupted protein product. Loss-of-function variants in BRCA1 are known to be pathogenic (PMID: 20104584). This variant is not present in population databases (gnomAD no frequency). This premature translational stop signal has been observed in individual(s) with breast cancer (PMID: 9150171, 26681312). This variant is also known as 3883insA. ClinVar contains an entry for this variant (Variation ID: 37545). For these reasons, this variant has been classified as Pathogenic.

Quest Diagnostics Nichols Institute San Juan Capistrano
Classification: Pathogenic. Last evaluated: 2025-03-14. Review status: criteria provided, single submitter. Criteria: Quest Diagnostics criteria. Collection method: clinical testing. Allele origin: unknown. Not counted in ClinVar's aggregate classification.
Comment: The BRCA1 c.3764dup (p.Asn1255Lysfs*12) variant alters the translational reading frame of the BRCA1 mRNA and causes the premature termination of BRCA1 protein synthesis. This variant has been reported in the published literature in individuals with a personal and/or family history of breast cancer (PMID: 36620844 (2022), 27741520 (2016), 25428789 (2015), 9150171 (1997)). This variant has not been reported in large, multi-ethnic general populations (Genome Aggregation Database). Based on the available information, this variant is classified as pathogenic.

Women's Health and Genetics/Laboratory Corporation of America, LabCorp
Classification: Pathogenic for Hereditary breast ovarian cancer syndrome. Last evaluated: 2024-07-09. Review status: criteria provided, single submitter. Criteria: LabCorp Variant Classification Summary - May 2015. Collection method: clinical testing. Allele origin: germline. Not counted in ClinVar's aggregate classification.
Comment: Variant summary: BRCA1 c.3764dupA (p.Asn1255LysfsX12) results in a premature termination codon, predicted to cause a truncation of the encoded protein or absence of the protein due to nonsense mediated decay, which are commonly known mechanisms for disease. The variant was absent in 251272 control chromosomes. c.3764dupA has been reported in the literature in the heterozygous state in at least 1 individual affected with Hereditary Breast And Ovarian Cancer Syndrome (example, Olaya_2022). To our knowledge, no experimental evidence demonstrating an impact on protein function has been reported. The following publication has been ascertained in the context of this evaluation (PMID: 36620844). ClinVar contains an entry for this variant (Variation ID: 37545). Based on the evidence outlined above, the variant was classified as pathogenic.

Baylor Genetics
Classification: Pathogenic for Breast-ovarian cancer, familial, susceptibility to, 1. Last evaluated: 2023-11-30. Review status: criteria provided, single submitter. Criteria: ACMG Guidelines, 2015. Collection method: clinical testing. Allele origin: unknown. Not counted in ClinVar's aggregate classification.

Ambry Genetics
Classification: Pathogenic for Hereditary cancer-predisposing syndrome. Last evaluated: 2021-11-30. Review status: criteria provided, single submitter. Criteria: Ambry Variant Classification Scheme 2023. Collection method: clinical testing. Allele origin: germline. Not counted in ClinVar's aggregate classification.
Comment: The c.3764dupA pathogenic mutation, located in coding exon 9 of the BRCA1 gene, results from a duplication of A at nucleotide position 3764, causing a translational frameshift with a predicted alternate stop codon (p.N1255Kfs*12). This alteration has been reported in multiple probands with hereditary breast and/or ovarian cancer (Gao Q et al. Am. J. Hum. Genet. 1997 May;60:1233-6; Churpek JE et al. Breast Cancer Res. Treat. 2015 Jan;149:31-9; Palmero E et al. Sci Rep 2018 Jun;8:9188). Of note, this alteration is also designated as 3883insA in published literature. In addition to the clinical data presented in the literature, this alteration is expected to result in loss of function by premature protein truncation or nonsense-mediated mRNA decay. As such, this alteration is interpreted as a disease-causing mutation.

Color Diagnostics, LLC DBA Color Health
Classification: Pathogenic for Hereditary cancer-predisposing syndrome. Last evaluated: 2020-01-15. Review status: criteria provided, single submitter. Criteria: ACMG Guidelines, 2015. Collection method: clinical testing. Allele origin: germline. Not counted in ClinVar's aggregate classification.
Comment: This variant inserts 1 nucleotide in exon 10 of the BRCA1 gene, creating a frameshift and premature translation stop signal. This variant is expected to result in an absent or non-functional protein product. This variant has not been identified in the general population by the Genome Aggregation Database (gnomAD). Loss of BRCA1 function is a known mechanism of disease. Based on the available evidence, this variant is classified as Pathogenic.

Consortium of Investigators of Modifiers of BRCA1/2 (CIMBA), c/o University of Cambridge
Classification: Pathogenic for Breast-ovarian cancer, familial, susceptibility to, 1. Last evaluated: 2015-10-02. Review status: criteria provided, single submitter. Criteria: CIMBA Mutation Classification guidelines May 2016. Collection method: clinical testing. Allele origin: germline. Not counted in ClinVar's aggregate classification.

Research Molecular Genetics Laboratory, Women's College Hospital, University of Toronto
Classification: Pathogenic for Hereditary breast ovarian cancer syndrome. Last evaluated: 2014-01-31. Review status: no assertion criteria provided. Collection method: research. Allele origin: germline. Affected: yes. Study: The Canadian Open Genetics Repository (COGR). Not counted in ClinVar's aggregate classification.

Sharing Clinical Reports Project (SCRP)
Classification: Pathogenic for Breast-ovarian cancer, familial 1. Last evaluated: 2010-02-12. Review status: no assertion criteria provided. Collection method: clinical testing. Allele origin: germline. Not counted in ClinVar's aggregate classification.

Foulkes Cancer Genetics LDI, Lady Davis Institute for Medical Research
Classification: Pathogenic for Breast and/or ovarian cancer. Last evaluated: 2010-01-20. Review status: no assertion criteria provided. Collection method: clinical testing. Allele origin: germline. Study: The Canadian Open Genetics Repository (COGR). Not counted in ClinVar's aggregate classification.

Breast Cancer Information Core (BIC) (BRCA1)
Classification: Pathogenic for Breast-ovarian cancer, familial 1. Last evaluated: 1997-11-14. Review status: no assertion criteria provided. Collection method: clinical testing. Allele origin: germline. Affected: yes. Observed: 3 variant alleles. Not counted in ClinVar's aggregate classification.

Literature cited by the submitters: PubMed 20104584 (cited by Labcorp Genetics (formerly Invitae), Labcorp); PubMed 9150171 (cited by 3 submitters); PubMed 26681312 (cited by Labcorp Genetics (formerly Invitae), Labcorp); PubMed 27741520 (cited by Quest Diagnostics Nichols Institute San Juan Capistrano); PubMed 36620844 (cited by Quest Diagnostics Nichols Institute San Juan Capistrano and Women's Health and Genetics/Laboratory Corporation of America, LabCorp); PubMed 25428789 (cited by Quest Diagnostics Nichols Institute San Juan Capistrano and Ambry Genetics).

NM_007294.4(BRCA1):c.3764dup (p.Asn1255fs)

Genes: BRCA1 (BRCA1 DNA repair associated; minus strand), LOC126862571 (BRD4-independent group 4 enhancer GRCh37_chr17:41243136-41244335; plus strand). Cytogenetic location: 17q21.31.
Variant type: Duplication.
Coding change: c.3764dup on transcript NM_007294.4 (MANE Select); coding-DNA position 3764, one base duplicated (A; older notation c.3764dupA).
Protein change: p.Asn1255fs; shifts the reading frame from asparagine 1255.
Molecular consequence: frameshift variant. On other transcripts: intron variant (135).
Genome position (GRCh38, 1-based): chr17:43,091,767, T duplicated on the plus strand (A on the coding strand, the reverse complement: BRCA1 is on the minus strand); the first of 2 consecutive T bases (chr17:43,091,767-43,091,768); duplicating either gives the same sequence. VCF-style (leftmost placement, unchanged base first): chr17-43091766-G-GT. GRCh37 (hg19) VCF-style: chr17-41243783-G-GT.
Other names: 3883insA; c.3764dupA (NM_007294.3); c.662-735dup (NM_001408435.1, NM_001408448.1, NM_001408445.1 and 6 more transcripts); c.785-735dup (NM_001408401.1, NM_001408396.1, NM_001407985.1 and 13 more transcripts); c.548-735dup (NM_001408494.1); c.665-735dup (NM_001408444.1, NM_001408438.1, NM_001408430.1 and 12 more transcripts); c.671-735dup (NM_001408423.1, NM_001408420.1, NM_001408419.1 and 2 more transcripts); c.788-735dup (NM_001408404.1, NM_001408472.1, NM_001407990.1 and 17 more transcripts); and 43 more; short protein forms N1208fs, N1255fs, N1166fs, N1167fs, N1188fs, N1207fs, N1252fs, N387fs.
Identifiers: ClinVar variation 37545 (VCV000037545.65), dbSNP rs80357848, ClinGen allele CA002420.